The following is an entry in ClinVar:

ClinVar aggregate classification (germline): Uncertain significance. Review status: criteria provided, multiple submitters, no conflicts (2 of 4 stars). 2 submissions from 2 submitters: Uncertain significance (2). Last evaluated 2025-03-05.

Conditions:
Hypertrophic cardiomyopathy 17. Identifiers: MedGen C3151264, MONDO:0013474, OMIM 613873.

gnomAD v4.1: 1 of 1,609,320 alleles (0.000062%); no homozygotes.

Submissions (2):

3billion
Classification: Uncertain significance for Hypertrophic cardiomyopathy 17. Last evaluated: 2025-03-05. Review status: criteria provided, single submitter. Criteria: ACMG Guidelines, 2015. Collection method: clinical testing. Allele origin: germline. Affected: yes.
Comment: The variant is observed at an extremely low frequency in the gnomAD v4.1.0 dataset (total allele frequency: <0.001%). Predicted Consequence/Location: Missense variant In silico tool predictions suggest damaging effect of the variant on gene or gene product [REVEL: 0.97 (>=0.6, sensitivity 0.68 and specificity 0.92); 3Cnet: 0.78 (> 0.75, sensitivity 0.96 and precision 0.92)]. The variant has been reported as of uncertain significance (ClinVar ID: VCV003385088). Therefore, this variant is classified as VUS according to the recommendation of ACMG/AMP guideline.

Women's Health and Genetics/Laboratory Corporation of America, LabCorp
Classification: Uncertain significance. Last evaluated: 2024-10-25. Review status: criteria provided, single submitter. Criteria: LabCorp Variant Classification Summary - May 2015. Collection method: clinical testing. Allele origin: germline.
Comment: Variant summary: JPH2 c.392G>A (p.Gly131Asp) results in a non-conservative amino acid change in the encoded protein sequence. Five of five in-silico tools predict a damaging effect of the variant on protein function. The variant was absent in 234914 control chromosomes. The available data on variant occurrences in the general population are insufficient to allow any conclusion about variant significance. To our knowledge, no occurrence of c.392G>A in individuals affected with Cardiomyopathy and no experimental evidence demonstrating its impact on protein function have been reported. No submitters have cited clinical-significance assessments for this variant to ClinVar. Based on the evidence outlined above, the variant was classified as uncertain significance.

NM_020433.5(JPH2):c.392G>A (p.Gly131Asp)

Gene: JPH2 (junctophilin 2; minus strand). Cytogenetic location: 20q13.12.
Variant type: single nucleotide variant.
Coding change: c.392G>A on transcript NM_020433.5 (MANE Select); coding-DNA position 392, G replaced by A.
Protein change: p.Gly131Asp; replaces glycine 131 with aspartic acid.
Molecular consequence: missense variant.
Genome position (GRCh38, 1-based): chr20:44,160,395, C>T on the plus strand (G>A on the coding strand, the complement: JPH2 is on the minus strand). VCF-style: chr20-44160395-C-T. GRCh37 (hg19) VCF-style: chr20-42789035-C-T.
Other names: short protein forms G131D.
Identifiers: ClinVar variation 3385088 (VCV003385088.2).
Genomic context (GRCh38, chr20:44,160,395, plus strand): 5'-ATCCCGTAGGGCACGCTCTGGCGTACTCCGTAGCCATGGCGCATGCCGTTGGTGAACTGG[C>T]CTTGGTACGTCCCTGCGGGCGAGGAGAGGGCGCGTCAGTAGGCGGCACGACGGGTCCCCG-3'
Protein context (NP_065166.2, residues 121-141): ETYADGGTYQ[Gly131Asp]QFTNGMRHGY